The following is an entry in ClinVar:

NM_000834.5(GRIN2B):c.1921A>C (p.Ile641Leu)

Gene: GRIN2B (glutamate ionotropic receptor NMDA type subunit 2B; minus strand). Cytogenetic location: 12p13.1.
Variant type: single nucleotide variant.
Coding change: c.1921A>C on transcript NM_000834.5 (MANE Select); coding-DNA position 1921, A replaced by C.
Protein change: p.Ile641Leu; replaces isoleucine 641 with leucine.
Molecular consequence: missense variant.
Genome position (GRCh38, 1-based): chr12:13,608,692, T>G on the plus strand (A>C on the coding strand, the complement: GRIN2B is on the minus strand). VCF-style: chr12-13608692-T-G. GRCh37 (hg19) VCF-style: chr12-13761626-T-G.
Other names: c.1921A>C, p.Ile641Leu (NM_001413992.1); short protein forms I641L.
Identifiers: ClinVar variation 5016710 (VCV005016710.1).
Genomic context (GRCh38, chr12:13,608,692, plus strand): 5'-CCACATATTCCTCTTGGATCATGAAGGCAGCTAAGTTGGCAGTGTAGCTGGCCAGGAAGA[T>G]GACAGCAAAGAAGGCCCACACTGACACCATGATCTTGGAGGTGGTCCCCTTTGGGTTCTG-3'
Protein context (NP_000825.2, residues 631-651): MVSVWAFFAV[Ile641Leu]FLASYTANLA

ClinVar aggregate classification (germline): Pathogenic (1 of 4 stars; one submission).

Submission:

GeneDx
Classification: Pathogenic. Last evaluated: 2026-03-29. Review status: criteria provided, single submitter. Criteria: GeneDx Variant Classification Process June 2021. Collection method: clinical testing. Allele origin: germline.
Comment: Not observed at significant frequency in large population cohorts (gnomAD); In silico analysis supports that this missense variant has a deleterious effect on protein structure/function; This variant is associated with the following publications: (PMID: 31144778, 31209962, 27839871)